The following is an entry in ClinVar:

NM_001367624.2(ZNF469):c.3515del (p.Arg1172fs)

Gene: ZNF469 (zinc finger protein 469; plus strand). Cytogenetic location: 16q24.2.
Variant type: Deletion.
Coding change: c.3515del on transcript NM_001367624.2 (MANE Select); coding-DNA position 3515, one base deleted (G; older notation c.3515delG).
Protein change: p.Arg1172fs; shifts the reading frame from arginine 1172.
Molecular consequence: frameshift variant.
Genome position (GRCh38, 1-based): chr16:88,430,985, G deleted. VCF-style (leftmost placement, unchanged base first): chr16-88430984-CG-C. GRCh37 (hg19) VCF-style: chr16-88497392-CG-C.
Other names: short protein forms R1172fs.
Identifiers: ClinVar variation 2767186 (VCV002767186.3), dbSNP rs2507583743, ClinGen allele CA2697556001.

ClinVar aggregate classification (germline): Pathogenic (1 of 4 stars; one submission).

Submission:

Labcorp Genetics (formerly Invitae), Labcorp
Classification: Pathogenic. Last evaluated: 2023-10-09. Review status: criteria provided, single submitter. Criteria: Invitae Variant Classification Sherloc (09022015). Collection method: clinical testing. Allele origin: germline.
Comment: This sequence change creates a premature translational stop signal (p.Arg1144Leufs*92) in the ZNF469 gene. While this is not anticipated to result in nonsense mediated decay, it is expected to disrupt the last 2782 amino acid(s) of the ZNF469 protein. This variant is not present in population databases (gnomAD no frequency). This variant has not been reported in the literature in individuals affected with ZNF469-related conditions. This variant disrupts a region of the ZNF469 protein in which other variant(s) (p.Pro3556Glnfs*136) have been determined to be pathogenic (PMID: 32671420). This suggests that this is a clinically significant region of the protein, and that variants that disrupt it are likely to be disease-causing. For these reasons, this variant has been classified as Pathogenic.

Literature cited by the submitters: PubMed 32671420.